The following is an entry in ClinVar:

ClinVar aggregate classification (germline): Pathogenic (1 of 4 stars; one submission).

Conditions:
Epidermolysis bullosa simplex 3, localized or generalized intermediate, with BP230 deficiency (EBS3). Also called: Epidermolysis bullosa simplex, autosomal recessive 2; Epidermolysis bullosa simplex due to BP230 deficiency. Identifiers: Orphanet 412181, MedGen C3809470, MONDO:0014180, OMIM 615425.
Hereditary sensory and autonomic neuropathy type 6. Also called: Neuropathy, hereditary sensory and autonomic, type VI; HSAN VI. Identifiers: Orphanet 314381, MedGen C3539003, MONDO:0013839, OMIM 614653.

Submission:

Labcorp Genetics (formerly Invitae), Labcorp
Classification: Pathogenic for Epidermolysis bullosa simplex 3, localized or generalized intermediate, with BP230 deficiency; Hereditary sensory and autonomic neuropathy type 6. Last evaluated: 2022-03-13. Review status: criteria provided, single submitter. Criteria: Invitae Variant Classification Sherloc (09022015). Collection method: clinical testing. Allele origin: unknown.
Comment: A gross deletion of the genomic region encompassing the full coding sequence of the DST gene has been identified. Loss-of-function variants in DST are known to be pathogenic (PMID: 22522446, 25059916, 30371979). The boundaries of this event are unknown as they extend beyond the assayed region for this gene and therefore may encompass additional genes. For these reasons, this variant has been classified as Pathogenic. This variant has not been reported in the literature in individuals affected with DST-related conditions.

Literature cited by the submitters: PubMed 22522446; PubMed 25059916; PubMed 30371979.

NC_000006.11:g.(?_56323803)_(56507586_?)del

Variant type: Deletion.
Identifiers: ClinVar variation 3246038 (VCV003246038.1).